The following is an entry in ClinVar:

NM_002447.4(MST1R):c.1365C>A (p.Arg455=)

Gene: MST1R (macrophage stimulating 1 receptor; minus strand). Cytogenetic location: 3p21.31.
Variant type: single nucleotide variant.
Coding change: c.1365C>A on transcript NM_002447.4 (MANE Select); coding-DNA position 1365, C replaced by A.
Protein change: p.Arg455=; no amino-acid change (arginine 455 retained).
Molecular consequence: synonymous variant. On other transcripts: non-coding transcript variant (1), intron variant (1).
Genome position (GRCh38, 1-based): chr3:49,899,129, G>T on the plus strand (C>A on the coding strand, the complement: MST1R is on the minus strand). VCF-style: chr3-49899129-G-T. GRCh37 (hg19) VCF-style: chr3-49936562-G-T.
Other names: c.1365C>A, p.Arg455= (NM_001244937.3); c.1231-441C>A (NM_001318913.2).
Identifiers: ClinVar variation 3035390 (VCV003035390.2), dbSNP rs143816851, ClinGen allele CA2409249.

ClinVar aggregate classification (germline): Likely benign (0 of 4 stars; one submission).

Conditions:
MST1R-related disorder. Also called: MST1R-related condition.

Allele frequency attached by ClinVar (database versions not stated): ExAC 0.00003; ESP Exome Variant Server 0.00008; gnomAD 0.00010; TOPMed 0.00011; gnomAD exomes 0.00014.
gnomAD v4.1: 219 of 1,614,038 alleles (0.014%); highest among the groups gnomAD compares: Non-Finnish European, 0.017%; no homozygotes.

Submission:

PreventionGenetics, part of Exact Sciences
Classification: Likely benign for MST1R-related condition. Last evaluated: 2019-08-09. Review status: no assertion criteria provided. Collection method: clinical testing. Allele origin: germline.
Comment: This variant is classified as likely benign based on ACMG/AMP sequence variant interpretation guidelines (Richards et al. 2015 PMID: 25741868, with internal and published modifications).